The following is an entry in ClinVar:

NM_172351.3(CD46):c.982+5G>T

Gene: CD46 (CD46 molecule; plus strand). Cytogenetic location: 1q32.2.
Variant type: single nucleotide variant.
Coding change: c.982+5G>T on transcript NM_172351.3 (MANE Select); 5 bases into the intron after coding-DNA position 982, G replaced by T.
Molecular consequence: intron variant.
Genome position (GRCh38, 1-based): chr1:207,783,335, G>T. VCF-style: chr1-207783335-G-T. GRCh37 (hg19) VCF-style: chr1-207956680-G-T.
Other names: c.1027+5G>T (NM_002389.4, NM_172359.3); c.982+5G>T (NM_153826.4, NM_172358.3); c.940+5G>T (NM_172355.3, NM_172356.3); c.937+5G>T (NM_172352.3, NM_172353.3, NM_172350.3); c.895+5G>T (NM_172357.3, NM_172361.3).
Identifiers: ClinVar variation 4291227 (VCV004291227.1).

ClinVar aggregate classification (germline): Uncertain significance (1 of 4 stars; one submission).

Conditions:
Atypical hemolytic-uremic syndrome. Identifiers: Orphanet 2134, MedGen C2931788, MONDO:0016244.

Submission:

Genomenon, Inc
Classification: Uncertain significance for Atypical hemolytic-uremic syndrome. Last evaluated: 2025-10-02. Review status: criteria provided, single submitter. Criteria: Genomenon Sequence Variant Interpretation Standards. Collection method: curation. Allele origin: germline. Affected: yes.
Comment: CD46 c.1027+5G>T is a splice variant located in the donor splice region of intron 10. This variant has been observed in at least one proband affected with atypical hemolytic-uremic syndrome (PMID:24422172;28056875). It is absent or not present at a significant frequency in gnomAD. In silico models agree that this variant is possibly or probably damaging. In conclusion, we classify CD46 c.1027+5G>T as a variant of uncertain significance.

Literature cited by the submitters: PubMed 24422172; PubMed 28056875.